The following is an entry in ClinVar:

NM_173598.6(KSR2):c.2657T>A (p.Met886Lys)

Gene: KSR2 (kinase suppressor of ras 2; minus strand). Cytogenetic location: 12q24.22.
Variant type: single nucleotide variant.
Coding change: c.2657T>A on transcript NM_173598.6 (MANE Select); coding-DNA position 2657, T replaced by A.
Protein change: p.Met886Lys; replaces methionine 886 with lysine.
Molecular consequence: missense variant.
Genome position (GRCh38, 1-based): chr12:117,471,246, A>T on the plus strand (T>A on the coding strand, the complement: KSR2 is on the minus strand). VCF-style: chr12-117471246-A-T. GRCh37 (hg19) VCF-style: chr12-117909051-A-T.
Other names: short protein forms M886K.
Identifiers: ClinVar variation 4993881 (VCV004993881.1).

ClinVar aggregate classification (germline): Uncertain significance (1 of 4 stars; one submission).

Conditions:
KSR2-related disorder. Also called: KSR2-related condition.

Submission:

PreventionGenetics, part of Exact Sciences
Classification: Uncertain significance for KSR2-related condition. Last evaluated: 2025-08-13. Review status: criteria provided, single submitter. Criteria: ACMG Guidelines, 2015. Collection method: clinical testing. Allele origin: germline.
Comment: The KSR2 c.2570T>A variant is predicted to result in the amino acid substitution p.Met857Lys. To our knowledge, this variant has not been reported in the literature or in a large population database (gnomAD), indicating this variant is rare. At this time, the clinical significance of this variant is uncertain due to the absence of conclusive functional and genetic evidence.